The following is an entry in ClinVar:

NM_139076.3(ABRAXAS1):c.944A>G (p.His315Arg)

Gene: ABRAXAS1 (abraxas 1, BRCA1 A complex subunit; minus strand). Cytogenetic location: 4q21.23.
Variant type: single nucleotide variant.
Coding change: c.944A>G on transcript NM_139076.3 (MANE Select); coding-DNA position 944, A replaced by G.
Protein change: p.His315Arg; replaces histidine 315 with arginine.
Molecular consequence: missense variant.
Genome position (GRCh38, 1-based): chr4:83,462,755, T>C on the plus strand (A>G on the coding strand, the complement: ABRAXAS1 is on the minus strand). VCF-style: chr4-83462755-T-C. GRCh37 (hg19) VCF-style: chr4-84383908-T-C.
Other names: c.617A>G, p.His206Arg (NM_001345962.2); short protein forms H206R, H315R.
Identifiers: ClinVar variation 3229160 (VCV003229160.1), dbSNP rs2529419007, ClinGen allele CA357255833.

ClinVar aggregate classification (germline): Uncertain significance (1 of 4 stars; one submission).

Submission:

Ambry Genetics
Classification: Uncertain significance. Last evaluated: 2024-01-03. Review status: criteria provided, single submitter. Criteria: Ambry Variant Classification Scheme 2023. Collection method: clinical testing. Allele origin: germline.
Comment: The p.H315R variant (also known as c.944A>G), located in coding exon 9 of the FAM175A gene, results from an A to G substitution at nucleotide position 944. The histidine at codon 315 is replaced by arginine, an amino acid with highly similar properties. This amino acid position is conserved. In addition, the in silico prediction for this alteration is inconclusive. Since supporting evidence is limited at this time, the clinical significance of this alteration remains unclear.